The following is an entry in ClinVar:

NM_006214.4(PHYH):c.95G>A (p.Gly32Glu)

Gene: PHYH (phytanoyl-CoA 2-hydroxylase; minus strand). Cytogenetic location: 10p13.
Variant type: single nucleotide variant.
Coding change: c.95G>A on transcript NM_006214.4 (MANE Select); coding-DNA position 95, G replaced by A.
Protein change: p.Gly32Glu; replaces glycine 32 with glutamic acid.
Molecular consequence: missense variant. On other transcripts: 5 prime UTR variant (1), intron variant (2).
Genome position (GRCh38, 1-based): chr10:13,298,226, C>T on the plus strand (G>A on the coding strand, the complement: PHYH is on the minus strand). VCF-style: chr10-13298226-C-T. GRCh37 (hg19) VCF-style: chr10-13340226-C-T.
Other names: c.-206G>A (NM_001323080.2); c.95G>A, p.Gly32Glu (NM_001323082.2, NM_001323083.2); c.-167+1194G>A (NM_001037537.2, NM_001323084.2); short protein forms G32E.
Identifiers: ClinVar variation 2104778 (VCV002104778.4), dbSNP rs1832625209, ClinGen allele CA376038167.
Genomic context (GRCh38, chr10:13,298,226, plus strand): 5'-ATCAAAACTCAAACTACTTACTGGAATTGTTGAGGATGGAAACTGGCAGAGGAAATAGTC[C>T]CTGAAGTGGGATGAGCTACCTAGGATGTGAATTAAGGCAAATAAAGTAAAATATAGAAGG-3'
Protein context (NP_006205.1, residues 22-42): AGAVVAHPTS[Gly32Glu]TISSASFHPQ

ClinVar aggregate classification (germline): Uncertain significance (1 of 4 stars; one submission).

Allele frequency attached by ClinVar (database versions not stated): gnomAD exomes below 0.00001; TOPMed below 0.00001.
gnomAD v4.1: 1 of 1,606,378 alleles (0.000062%); highest among the groups gnomAD compares: Non-Finnish European, 0.000085%; no homozygotes.

Submission:

Labcorp Genetics (formerly Invitae), Labcorp
Classification: Uncertain significance. Last evaluated: 2022-10-17. Review status: criteria provided, single submitter. Criteria: Invitae Variant Classification Sherloc (09022015). Collection method: clinical testing. Allele origin: germline.
Comment: In summary, the available evidence is currently insufficient to determine the role of this variant in disease. Therefore, it has been classified as a Variant of Uncertain Significance. Algorithms developed to predict the effect of missense changes on protein structure and function output the following: SIFT: "Deleterious"; PolyPhen-2: "Benign"; Align-GVGD: "Class C0". The glutamic acid amino acid residue is found in multiple mammalian species, which suggests that this missense change does not adversely affect protein function. This variant has not been reported in the literature in individuals affected with PHYH-related conditions. This variant is not present in population databases (gnomAD no frequency). This sequence change replaces glycine, which is neutral and non-polar, with glutamic acid, which is acidic and polar, at codon 32 of the PHYH protein (p.Gly32Glu).